The following is an entry in ClinVar:

ClinVar aggregate classification (germline): Uncertain significance (1 of 4 stars; one submission).

Conditions:
Early-infantile DEE. Also called: Early infantile epileptic encephalopathy; Ohtahara syndrome; Early infantile epileptic encephalopathy with suppression bursts. Identifiers: Orphanet 1934, MedGen C0393706, MONDO:0800491.

Allele frequency attached by ClinVar (database versions not stated): gnomAD exomes below 0.00001; ExAC 0.00001.
gnomAD v4.1: 3 of 1,464,182 alleles (0.0002%); highest among the groups gnomAD compares: Admixed American, 0.0072%; no homozygotes.

Submission:

Labcorp Genetics (formerly Invitae), Labcorp
Classification: Uncertain significance for Early-infantile DEE. Last evaluated: 2025-12-21. Review status: criteria provided, single submitter. Criteria: Invitae Variant Classification Sherloc (09022015). Collection method: clinical testing. Allele origin: germline.
Comment: This sequence change replaces proline, which is neutral and non-polar, with leucine, which is neutral and non-polar, at codon 979 of the KCNH5 protein (p.Pro979Leu). This variant is present in population databases (rs767274540, gnomAD 0.01%). This variant has not been reported in the literature in individuals affected with KCNH5-related conditions. ClinVar contains an entry for this variant (Variation ID: 2122168). An algorithm developed to predict the effect of missense changes on protein structure and function (PolyPhen-2) suggests that this variant is likely to be disruptive. In summary, the available evidence is currently insufficient to determine the role of this variant in disease. Therefore, it has been classified as a Variant of Uncertain Significance.

NM_139318.5(KCNH5):c.2936C>T (p.Pro979Leu)

Gene: KCNH5 (potassium voltage-gated channel subfamily H member 5; minus strand). Cytogenetic location: 14q23.2.
Variant type: single nucleotide variant.
Coding change: c.2936C>T on transcript NM_139318.5 (MANE Select); coding-DNA position 2936, C replaced by T.
Protein change: p.Pro979Leu; replaces proline 979 with leucine.
Molecular consequence: missense variant. On other transcripts: 3 prime UTR variant (1).
Genome position (GRCh38, 1-based): chr14:62,707,539, G>A on the plus strand (C>T on the coding strand, the complement: KCNH5 is on the minus strand). VCF-style: chr14-62707539-G-A. GRCh37 (hg19) VCF-style: chr14-63174257-G-A.
Other names: c.*903C>T (NM_172375.3); short protein forms P979L.
Identifiers: ClinVar variation 2122168 (VCV002122168.4), dbSNP rs767274540, ClinGen allele CA7217153.